The following is an entry in ClinVar:

NM_004360.5(CDH1):c.1733C>A (p.Thr578Lys)

Gene: CDH1 (cadherin 1; plus strand). Cytogenetic location: 16q22.1.
Variant type: single nucleotide variant.
Coding change: c.1733C>A on transcript NM_004360.5 (MANE Select); coding-DNA position 1733, C replaced by A.
Protein change: p.Thr578Lys; replaces threonine 578 with lysine.
Molecular consequence: missense variant. On other transcripts: 5 prime UTR variant (1).
Genome position (GRCh38, 1-based): chr16:68,822,022, C>A. VCF-style: chr16-68822022-C-A. GRCh37 (hg19) VCF-style: chr16-68855925-C-A.
Other names: c.1550C>A, p.Thr517Lys (NM_001317184.2); c.185C>A, p.Thr62Lys (NM_001317185.2); c.-233C>A (NM_001317186.2); short protein forms T517K, T62K, T578K.
Identifiers: ClinVar variation 1495129 (VCV001495129.6), dbSNP rs1567512135, ClinGen allele CA396466319.

ClinVar aggregate classification (germline): Uncertain significance (1 of 4 stars; one submission).

Conditions:
Hereditary diffuse gastric adenocarcinoma (HDGC). Also called: DIFFUSE GASTRIC AND LOBULAR BREAST CANCER SYNDROME. Identifiers: Orphanet 26106, MedGen C1708349, MONDO:0007648, OMIM 137215.

Submission:

Labcorp Genetics (formerly Invitae), Labcorp
Classification: Uncertain significance for Hereditary diffuse gastric adenocarcinoma. Last evaluated: 2025-04-20. Review status: criteria provided, single submitter. Criteria: Invitae Variant Classification Sherloc (09022015). Collection method: clinical testing. Allele origin: germline.
Comment: This sequence change replaces threonine, which is neutral and polar, with lysine, which is basic and polar, at codon 578 of the CDH1 protein (p.Thr578Lys). This variant is not present in population databases (gnomAD no frequency). This variant has not been reported in the literature in individuals affected with CDH1-related conditions. ClinVar contains an entry for this variant (Variation ID: 1495129). An algorithm developed to predict the effect of missense changes on protein structure and function (PolyPhen-2) suggests that this variant is likely to be disruptive. In summary, the available evidence is currently insufficient to determine the role of this variant in disease. Therefore, it has been classified as a Variant of Uncertain Significance.